The following is an entry in ClinVar:

NM_014269.4(ADAM29):c.2292A>G (p.Thr764=)

Gene: ADAM29 (ADAM metallopeptidase domain 29; plus strand). Cytogenetic location: 4q34.1.
Variant type: single nucleotide variant.
Coding change: c.2292A>G on transcript NM_014269.4 (MANE Select); coding-DNA position 2292, A replaced by G.
Protein change: p.Thr764=; no amino-acid change (threonine 764 retained).
Molecular consequence: synonymous variant.
Genome position (GRCh38, 1-based): chr4:174,977,817, A>G. VCF-style: chr4-174977817-A-G. GRCh37 (hg19) VCF-style: chr4-175898968-A-G.
Other names: c.2292A>G, p.Thr764= (NM_001130703.1, NM_001130704.1, NM_001130705.1 and 3 more transcripts).
Identifiers: ClinVar variation 2655192 (VCV002655192.24), dbSNP rs200138238, ClinGen allele CA3143303.

ClinVar aggregate classification (germline): Likely benign (1 of 4 stars; one submission).

Allele frequency attached by ClinVar (database versions not stated): ExAC 0.00005; 1000 Genomes Project 30x 0.00203; 1000 Genomes Project 0.01298.

Submission:

CeGaT Center for Human Genetics Tuebingen
Classification: Likely benign. Last evaluated: 2024-02-01. Review status: criteria provided, single submitter. Criteria: CeGaT Center For Human Genetics Tuebingen Variant Classification Criteria Version 2. Collection method: clinical testing. Allele origin: germline. Affected: yes. Observed: 2 variant alleles.
Comment: ADAM29: BP4, BP7